The following is an entry in ClinVar:

ClinVar aggregate classification (germline): Uncertain significance (1 of 4 stars; one submission).

Submission:

GeneDx
Classification: Uncertain significance. Last evaluated: 2019-08-27. Review status: criteria provided, single submitter. Criteria: GeneDx Variant Classification Process June 2021. Collection method: clinical testing. Allele origin: germline. Affected: yes.
Comment: Not observed in large population cohorts (Lek et al., 2016); In silico analysis, which includes protein predictors and evolutionary conservation, supports a deleterious effect; Has not been previously published as pathogenic or benign to our knowledge

NM_012330.4(KAT6B):c.5771C>T (p.Ser1924Phe)

Gene: KAT6B (lysine acetyltransferase 6B; plus strand). Cytogenetic location: 10q22.2.
Variant type: single nucleotide variant.
Coding change: c.5771C>T on transcript NM_012330.4 (MANE Select); coding-DNA position 5771, C replaced by T.
Protein change: p.Ser1924Phe; replaces serine 1924 with phenylalanine.
Molecular consequence: missense variant.
Genome position (GRCh38, 1-based): chr10:75,030,595, C>T. VCF-style: chr10-75030595-C-T. GRCh37 (hg19) VCF-style: chr10-76790353-C-T.
Other names: c.5222C>T, p.Ser1741Phe (NM_001256468.2, NM_001370138.1); c.4895C>T, p.Ser1632Phe (NM_001256469.2, NM_001370139.1, NM_001370140.1 and 2 more transcripts); c.4733C>T, p.Ser1578Phe (NM_001370132.1); c.4082C>T, p.Ser1361Phe (NM_001370133.1); c.3686C>T, p.Ser1229Phe (NM_001370134.1); c.3428C>T, p.Ser1143Phe (NM_001370135.1); c.5771C>T, p.Ser1924Phe (NM_001370136.1, NM_001370137.1); c.4706C>T, p.Ser1569Phe (NM_001370143.1, NM_001370144.1); short protein forms S1143F, S1229F, S1361F, S1569F, S1578F, S1632F, S1741F, S1924F.
Identifiers: ClinVar variation 1308134 (VCV001308134.2), dbSNP rs1846240911, ClinGen allele CA377302137.